The following is an entry in ClinVar:

ClinVar aggregate classification (germline): Uncertain significance (1 of 4 stars; one submission).

Submission:

ISCA site 15
Classification: Uncertain significance. Last evaluated: 2011-08-12. Review status: criteria provided, single submitter. Criteria: Kaminsky et al. (Genet Med. 2011). Collection method: clinical testing. Allele origin: unknown. Affected: yes. Observed: 1 variant allele.
Comment: Copy number variation identified through the course of routine clinical cytogenomic testing in postnatal populations. Clinical assertions have been curated as described in Kaminsky et al. 2011.

GRCh38/hg38 13q32.3-33.1(chr13:101049614-101387801)x1

Genes: NALCN (sodium leak channel, non-selective; minus strand), NALCN-AS1 (NALCN antisense RNA 1; plus strand), LOC126088081 (BRD4-independent group 4 enhancer GRCh37_chr13:101701141-101702340; plus strand), LOC126861831 (P300/CBP strongly-dependent group 1 enhancer GRCh37_chr13:101909917-101911116; plus strand). Cytogenetic location: 13q32.3-33.1.
Variant type: copy number loss.
Change: copy number 1 (one copy instead of two) of chr13:101,049,614-101,387,801 (338.2 kb, GRCh38 coordinates, 1-based), cytogenetic band 13q32.3-33.1.
Identifiers: ClinVar variation 58178 (VCV000058178.1).